The following is an entry in ClinVar:

ClinVar aggregate classification (germline): Uncertain significance. Review status: criteria provided, multiple submitters, no conflicts (2 of 4 stars). 2 submissions from 2 submitters: Uncertain significance (2). Last evaluated 2025-07-22.

Conditions:
Spinocerebellar ataxia type 19/22 (SCA19). Also called: SPINOCEREBELLAR ATAXIA 22; SPINOCEREBELLAR ATAXIA 19. Identifiers: Orphanet 98772, MedGen C1846367, MONDO:0011819, OMIM 607346.

Allele frequency attached by ClinVar (database versions not stated): gnomAD exomes below 0.00001.
gnomAD v4.1: 1 of 1,614,084 alleles (0.000062%); highest among the groups gnomAD compares: Non-Finnish European, 0.000085%; no homozygotes.

Submissions (2):

Labcorp Genetics (formerly Invitae), Labcorp
Classification: Uncertain significance for Spinocerebellar ataxia type 19/22. Last evaluated: 2025-07-22. Review status: criteria provided, single submitter. Criteria: Invitae Variant Classification Sherloc (09022015). Collection method: clinical testing. Allele origin: germline.
Comment: This sequence change replaces glutamic acid, which is acidic and polar, with lysine, which is basic and polar, at codon 280 of the KCND3 protein (p.Glu280Lys). This variant is not present in population databases (gnomAD no frequency). This missense change has been observed in individual(s) with clinical features of KCND3-related conditions (PMID: 37446101). ClinVar contains an entry for this variant (Variation ID: 1316178). Invitae Evidence Modeling of protein sequence and biophysical properties (such as structural, functional, and spatial information, amino acid conservation, physicochemical variation, residue mobility, and thermodynamic stability) indicates that this missense variant is not expected to disrupt KCND3 protein function with a negative predictive value of 95%. Experimental studies have shown that this missense change affects KCND3 function (PMID: 37446101). In summary, the available evidence is currently insufficient to determine the role of this variant in disease. Therefore, it has been classified as a Variant of Uncertain Significance.

GeneDx
Classification: Uncertain significance. Last evaluated: 2019-07-19. Review status: criteria provided, single submitter. Criteria: GeneDx Variant Classification Process June 2021. Collection method: clinical testing. Allele origin: germline. Affected: yes.
Comment: Has not been previously published as pathogenic or benign to our knowledge; Not observed in large population cohorts (Lek et al., 2016); In silico analysis, which includes protein predictors and evolutionary conservation, supports that this variant does not alter protein structure/function

Literature cited by the submitters: PubMed 37446101 (cited by Labcorp Genetics (formerly Invitae), Labcorp).

NM_001378969.1(KCND3):c.838G>A (p.Glu280Lys)

Gene: KCND3 (potassium voltage-gated channel subfamily D member 3; minus strand). Cytogenetic location: 1p13.2.
Variant type: single nucleotide variant.
Coding change: c.838G>A on transcript NM_001378969.1 (MANE Select); coding-DNA position 838, G replaced by A.
Protein change: p.Glu280Lys; replaces glutamic acid 280 with lysine.
Molecular consequence: missense variant.
Genome position (GRCh38, 1-based): chr1:111,981,889, C>T on the plus strand (G>A on the coding strand, the complement: KCND3 is on the minus strand). VCF-style: chr1-111981889-C-T. GRCh37 (hg19) VCF-style: chr1-112524511-C-T.
Other names: c.838G>A, p.Glu280Lys (NM_001378970.1, NM_004980.5, NM_172198.3); short protein forms E280K.
Identifiers: ClinVar variation 1316178 (VCV001316178.3), dbSNP rs2101995916, ClinGen allele CA341821248.